The following is an entry in ClinVar:

NM_207581.4(DUOXA2):c.113_119del (p.Phe38fs)

Gene: DUOXA2 (dual oxidase maturation factor 2; plus strand). Cytogenetic location: 15q21.1.
Variant type: Deletion.
Coding change: c.113_119del on transcript NM_207581.4 (MANE Select); coding-DNA positions 113 to 119, 7 bases deleted (TCCTGCT; older notation c.113_119delTCCTGCT).
Protein change: p.Phe38fs; shifts the reading frame from phenylalanine 38.
Molecular consequence: frameshift variant.
Genome position (GRCh38, 1-based): chr15:45,114,718-45,114,724, TCCTGCT deleted; deleting any 7 consecutive bases within chr15:45,114,715-45,114,724 gives the same sequence; the c. name uses the placement nearest the transcript's 3' end. VCF-style (leftmost placement, unchanged base first): chr15-45114714-AGCTTCCT-A. GRCh37 (hg19) VCF-style: chr15-45406912-AGCTTCCT-A.
Other names: short protein forms F38fs.
Identifiers: ClinVar variation 3383175 (VCV003383175.2).
Genomic context (GRCh38, chr15:45,114,714, plus strand): 5'-GCCGCAGGCTTCAGCGTTCCACTGCTCATCGTTATTCTAGTGTTTTTGGCTCTAGCAGCA[AGCTTCCT>A]GCTCATCTTGCCGGGGATCCGTGGCCACTCGGTAAGGGTGTCCTCATAGTGCAGGTAGAG-3'

ClinVar aggregate classification (germline): Likely pathogenic (1 of 4 stars; one submission).

Conditions:
Thyroglobulin synthesis defect (TDH5). Also called: HYPOTHYROIDISM, CONGENITAL, DUE TO DYSHORMONOGENESIS, 5; Thyroid dyshormonogenesis 5; THYROID HORMONOGENESIS, GENETIC DEFECT IN, 5. Identifiers: Orphanet 95716, MedGen C0342196, MONDO:0010137, OMIM 274900.

Submission:

Juno Genomics, Hangzhou Juno Genomics, Inc
Classification: Likely pathogenic for Thyroglobulin synthesis defect. Review status: criteria provided, single submitter. Criteria: ACMG Guidelines, 2015. Collection method: clinical testing. Allele origin: germline. Affected: yes.
Comment: Null variant in a gene where loss of function (LOF) is a known mechanism of disease.;Absent from controls (or at extremely low frequency if recessive) in Genome Aggregation Database, Exome Sequencing Project, 1000 Genomes Project, or Exome Aggregation Consortium.